The following is an entry in ClinVar:

NM_002691.4(POLD1):c.1686+5del

Gene: POLD1 (DNA polymerase delta 1, catalytic subunit; plus strand). Cytogenetic location: 19q13.33.
Variant type: Deletion.
Coding change: c.1686+5del on transcript NM_002691.4 (MANE Select); 5 bases into the intron after coding-DNA position 1686, one base deleted (G; older notation c.1686+5delG).
Molecular consequence: intron variant.
Genome position (GRCh38, 1-based): chr19:50,407,179, G deleted. VCF-style (leftmost placement, unchanged base first): chr19-50407178-AG-A. GRCh37 (hg19) VCF-style: chr19-50910435-AG-A.
Other names: c.1686+5del (LRG_785t2, LRG_785t1, NM_001256849.1 and 1 more transcripts).
Identifiers: ClinVar variation 484364 (VCV000484364.5), dbSNP rs1555791460, ClinGen allele CA658658841.

ClinVar aggregate classification (germline): Uncertain significance (1 of 4 stars; one submission).

Conditions:
Hereditary cancer-predisposing syndrome. Also called: Neoplastic Syndromes, Hereditary; Tumor predisposition; Hereditary Cancer Syndrome; Hereditary neoplastic syndrome. Identifiers: Orphanet 140162, MedGen C0027672, MeSH D009386, MONDO:0015356.

Allele frequency attached by ClinVar (database versions not stated): gnomAD exomes below 0.00001.

Submission:

Ambry Genetics
Classification: Uncertain significance for Hereditary cancer-predisposing syndrome. Last evaluated: 2017-03-02. Review status: criteria provided, single submitter. Criteria: Ambry Variant Classification Scheme 2023. Collection method: clinical testing. Allele origin: germline.
Comment: The c.1686+5delG intronic variant, results from a deletion of one nucleotide five nucleotides downstream of coding exon 12 in the POLD1 gene. This nucleotide position is well conserved in available vertebrate species. Using two different splice site prediction tools, this alteration is predicted to abolish or weaken the native splice donor site; however, direct evidence is unavailable. Since supporting evidence is limited at this time, the clinical significance of this alteration remains unclear.